The following is an entry in ClinVar:

ClinVar aggregate classification (germline): Uncertain significance. Review status: criteria provided, multiple submitters, no conflicts (2 of 4 stars). 2 submissions from 2 submitters: Uncertain significance (2). Last evaluated 2026-05-08.

Conditions:
RAD51C-related disorder. Also called: RAD51C-related disorders; RAD51C-related condition.
Fanconi anemia complementation group O. Also called: RAD51C-Related Fanconi Anemia. Identifiers: Orphanet 84, MedGen C3150653, MONDO:0013248, OMIM 613390.

Submissions (2):

PreventionGenetics, part of Exact Sciences
Classification: Uncertain significance for RAD51C-related condition. Last evaluated: 2026-05-08. Review status: criteria provided, single submitter. Criteria: ACMG Guidelines, 2015. Collection method: clinical testing. Allele origin: germline.
Comment: The RAD51C c.941T>C variant is predicted to result in the amino acid substitution p.Ile314Thr. To our knowledge, this variant has not been reported in the literature or in a large population database (gnomAD), indicating this variant is rare. At this time, the clinical significance of this variant is uncertain due to the absence of conclusive functional and genetic evidence.

Labcorp Genetics (formerly Invitae), Labcorp
Classification: Uncertain significance for Fanconi anemia complementation group O. Last evaluated: 2025-11-09. Review status: criteria provided, single submitter. Criteria: Invitae Variant Classification Sherloc (09022015). Collection method: clinical testing. Allele origin: germline.
Comment: This sequence change replaces isoleucine, which is neutral and non-polar, with threonine, which is neutral and polar, at codon 314 of the RAD51C protein (p.Ile314Thr). This variant is not present in population databases (gnomAD no frequency). This variant has not been reported in the literature in individuals affected with RAD51C-related conditions. ClinVar contains an entry for this variant (Variation ID: 1472587). Invitae Evidence Modeling of protein sequence and biophysical properties (such as structural, functional, and spatial information, amino acid conservation, physicochemical variation, residue mobility, and thermodynamic stability) indicates that this missense variant is not expected to disrupt RAD51C protein function with a negative predictive value of 80%. In summary, the available evidence is currently insufficient to determine the role of this variant in disease. Therefore, it has been classified as a Variant of Uncertain Significance.

NM_058216.3(RAD51C):c.941T>C (p.Ile314Thr)

Gene: RAD51C (RAD51 paralog C; plus strand). Cytogenetic location: 17q22.
Variant type: single nucleotide variant.
Coding change: c.941T>C on transcript NM_058216.3 (MANE Select); coding-DNA position 941, T replaced by C.
Protein change: p.Ile314Thr; replaces isoleucine 314 with threonine.
Molecular consequence: missense variant. On other transcripts: non-coding transcript variant (1).
Genome position (GRCh38, 1-based): chr17:58,724,076, T>C. VCF-style: chr17-58724076-T-C. GRCh37 (hg19) VCF-style: chr17-56801437-T-C.
Other names: c.941T>C (NM_058216.2); short protein forms I314T.
Identifiers: ClinVar variation 1472587 (VCV001472587.7), dbSNP rs2143962436, ClinGen allele CA400361456.